The following is an entry in ClinVar:

NM_007186.6(CEP250):c.4087G>A (p.Ala1363Thr)

Gene: CEP250 (centrosomal protein 250; plus strand). Cytogenetic location: 20q11.22.
Variant type: single nucleotide variant.
Coding change: c.4087G>A on transcript NM_007186.6 (MANE Select); coding-DNA position 4087, G replaced by A.
Protein change: p.Ala1363Thr; replaces alanine 1363 with threonine.
Molecular consequence: missense variant.
Genome position (GRCh38, 1-based): chr20:35,502,456, G>A. VCF-style: chr20-35502456-G-A. GRCh37 (hg19) VCF-style: chr20-34090284-G-A.
Other names: c.2191G>A, p.Ala731Thr (NM_001318219.1); short protein forms A1363T, A731T.
Identifiers: ClinVar variation 2069667 (VCV002069667.2), dbSNP rs762352794, ClinGen allele CA408747169.

ClinVar aggregate classification (germline): Uncertain significance (1 of 4 stars; one submission).

Submission:

Labcorp Genetics (formerly Invitae), Labcorp
Classification: Uncertain significance. Last evaluated: 2022-03-04. Review status: criteria provided, single submitter. Criteria: Invitae Variant Classification Sherloc (09022015). Collection method: clinical testing. Allele origin: germline.
Comment: In summary, the available evidence is currently insufficient to determine the role of this variant in disease. Therefore, it has been classified as a Variant of Uncertain Significance. Algorithms developed to predict the effect of missense changes on protein structure and function are either unavailable or do not agree on the potential impact of this missense change (SIFT: "Not Available"; PolyPhen-2: "Benign"; Align-GVGD: "Not Available"). This variant has not been reported in the literature in individuals affected with CEP250-related conditions. This variant is not present in population databases (gnomAD no frequency). This sequence change replaces alanine, which is neutral and non-polar, with threonine, which is neutral and polar, at codon 1363 of the CEP250 protein (p.Ala1363Thr).